The following is an entry in ClinVar:

NM_030650.3(LNPK):c.707-1356G>A

Gene: LNPK (lunapark, ER junction formation factor; minus strand). Cytogenetic location: 2q31.1.
Variant type: single nucleotide variant.
Coding change: c.707-1356G>A on transcript NM_030650.3 (MANE Select); 1356 bases into the intron before coding-DNA position 707, G replaced by A.
Molecular consequence: intron variant. On other transcripts: synonymous variant (1).
Genome position (GRCh38, 1-based): chr2:175,941,013, C>T on the plus strand (G>A on the coding strand, the complement: LNPK is on the minus strand). VCF-style: chr2-175941013-C-T. GRCh37 (hg19) VCF-style: chr2-176805741-C-T.
Other names: c.905-1356G>A (NM_001305008.1); c.774G>A, p.Ser258= (NM_001305009.1); c.338-1356G>A (NM_001305011.2); c.713-1356G>A (NM_001305010.1).
Identifiers: ClinVar variation 2651553 (VCV002651553.24), dbSNP rs760528892, ClinGen allele CA1975916.
Genomic context (GRCh38, chr2:175,941,013, plus strand): 5'-CATACAAAATGACAACCAGGCGCAGTAGCTCATGCCTGTAATCCCAGCACTTTGAGAGGT[C>T]GAGGTAGACAGATCACTTGAGCTCAGGTGTTCAAGACCAGCCTGGGCAATATGAGGAAGC-3'

ClinVar aggregate classification (germline): Likely benign (1 of 4 stars; one submission).

Allele frequency attached by ClinVar (database versions not stated): gnomAD 0.00082; TOPMed 0.00092; gnomAD exomes 0.00104; ExAC 0.00265.

Submission:

CeGaT Center for Human Genetics Tuebingen
Classification: Likely benign. Last evaluated: 2024-08-01. Review status: criteria provided, single submitter. Criteria: CeGaT Center For Human Genetics Tuebingen Variant Classification Criteria Version 2. Collection method: clinical testing. Allele origin: germline. Affected: yes. Observed: 2 variant alleles.
Comment: LNPK: BP4, BP7